The following is an entry in ClinVar:

NM_003737.4(DCHS1):c.4271T>C (p.Val1424Ala)

Gene: DCHS1 (dachsous cadherin-related 1; minus strand). Cytogenetic location: 11p15.4.
Variant type: single nucleotide variant.
Coding change: c.4271T>C on transcript NM_003737.4 (MANE Select); coding-DNA position 4271, T replaced by C.
Protein change: p.Val1424Ala; replaces valine 1424 with alanine.
Molecular consequence: missense variant.
Genome position (GRCh38, 1-based): chr11:6,630,523, A>G on the plus strand (T>C on the coding strand, the complement: DCHS1 is on the minus strand). VCF-style: chr11-6630523-A-G. GRCh37 (hg19) VCF-style: chr11-6651754-A-G.
Other names: short protein forms V1424A.
Identifiers: ClinVar variation 2888384 (VCV002888384.3), dbSNP rs899504765, ClinGen allele CA217298924.

ClinVar aggregate classification (germline): Uncertain significance (1 of 4 stars; one submission).

Submission:

Labcorp Genetics (formerly Invitae), Labcorp
Classification: Uncertain significance. Last evaluated: 2023-02-27. Review status: criteria provided, single submitter. Criteria: Invitae Variant Classification Sherloc (09022015). Collection method: clinical testing. Allele origin: germline.
Comment: In summary, the available evidence is currently insufficient to determine the role of this variant in disease. Therefore, it has been classified as a Variant of Uncertain Significance. Advanced modeling of protein sequence and biophysical properties (such as structural, functional, and spatial information, amino acid conservation, physicochemical variation, residue mobility, and thermodynamic stability) performed at Invitae indicates that this missense variant is not expected to disrupt DCHS1 protein function. This variant has not been reported in the literature in individuals affected with DCHS1-related conditions. This variant is not present in population databases (gnomAD no frequency). This sequence change replaces valine, which is neutral and non-polar, with alanine, which is neutral and non-polar, at codon 1424 of the DCHS1 protein (p.Val1424Ala).